The following is an entry in ClinVar:

NM_005502.4(ABCA1):c.2484G>A (p.Met828Ile)

Gene: ABCA1 (ATP binding cassette subfamily A member 1; minus strand). Cytogenetic location: 9q31.1.
Variant type: single nucleotide variant.
Coding change: c.2484G>A on transcript NM_005502.4 (MANE Select); coding-DNA position 2484, G replaced by A.
Protein change: p.Met828Ile; replaces methionine 828 with isoleucine.
Molecular consequence: missense variant.
Genome position (GRCh38, 1-based): chr9:104,825,741, C>T on the plus strand (G>A on the coding strand, the complement: ABCA1 is on the minus strand). VCF-style: chr9-104825741-C-T. GRCh37 (hg19) VCF-style: chr9-107588022-C-T.
Other names: short protein forms M828I.
Identifiers: ClinVar variation 4234969 (VCV004234969.1).
Genomic context (GRCh38, chr9:104,825,741, plus strand): 5'-ACCTGGAAAGACAGCCTCAATGTACCAGGTCATCACCCCATAGAGGAAGGTGTCAAACAG[C>T]ATCATGGAGACCGAAGTGGTGAGATTGAAGCCATCTTCCTCCACAGGACTCTCAAACAGG-3'
Protein context (NP_005493.2, residues 818-838): GFNLTTSVSM[Met828Ile]LFDTFLYGVM

ClinVar aggregate classification (germline): Uncertain significance (1 of 4 stars; one submission).

Conditions:
Cardiovascular phenotype. Identifiers: MedGen CN230736.

Submission:

Ambry Genetics
Classification: Uncertain significance for Cardiovascular phenotype. Last evaluated: 2025-07-22. Review status: criteria provided, single submitter. Criteria: Ambry Variant Classification Scheme 2023. Collection method: clinical testing. Allele origin: germline.
Comment: The p.M828I variant (also known as c.2484G>A), located in coding exon 16 of the ABCA1 gene, results from a G to A substitution at nucleotide position 2484. The methionine at codon 828 is replaced by isoleucine, an amino acid with highly similar properties. This amino acid position is conserved. In addition, this alteration is predicted to be deleterious by in silico analysis. Based on the available evidence, the clinical significance of this variant remains unclear.